The following is an entry in ClinVar:

ClinVar aggregate classification (germline): Uncertain significance (1 of 4 stars; one submission).

Conditions:
KIDINS220-related disorder. Also called: KIDINS220-related condition.

Submission:

PreventionGenetics, part of Exact Sciences
Classification: Uncertain significance for KIDINS220-related condition. Last evaluated: 2025-06-04. Review status: criteria provided, single submitter. Criteria: ACMG Guidelines, 2015. Collection method: clinical testing. Allele origin: germline.
Comment: The KIDINS220 c.2716A>G variant is predicted to result in the amino acid substitution p.Arg906Gly. To our knowledge, this variant has not been reported in the literature. This variant is reported in 0.0029% of alleles in individuals of Latino descent in gnomAD. At this time, the clinical significance of this variant is uncertain due to the absence of conclusive functional and genetic evidence.

NM_020738.4(KIDINS220):c.2716A>G (p.Arg906Gly)

Gene: KIDINS220 (kinase D interacting substrate 220; minus strand). Cytogenetic location: 2p25.1.
Variant type: single nucleotide variant.
Coding change: c.2716A>G on transcript NM_020738.4 (MANE Select); coding-DNA position 2716, A replaced by G.
Protein change: p.Arg906Gly; replaces arginine 906 with glycine.
Molecular consequence: missense variant. On other transcripts: non-coding transcript variant (2).
Genome position (GRCh38, 1-based): chr2:8,776,880, T>C on the plus strand (A>G on the coding strand, the complement: KIDINS220 is on the minus strand). VCF-style: chr2-8776880-T-C. GRCh37 (hg19) VCF-style: chr2-8917010-T-C.
Other names: c.2719A>G, p.Arg907Gly (NM_001348729.2, NM_001348731.2, NM_001348734.2 and 3 more transcripts); c.2716A>G, p.Arg906Gly (NM_001348732.2, NM_001348735.2, NM_001348738.2 and 3 more transcripts); c.2590A>G, p.Arg864Gly (NM_001348736.2); short protein forms R906G, R864G, R907G.
Identifiers: ClinVar variation 5002060 (VCV005002060.1).
Genomic context (GRCh38, chr2:8,776,880, plus strand): 5'-CCAGCAGTTTTGTAAGATCAAAGGACATCTGGCGAGTGATGGTCCTCTGCATCTGCCTTC[T>C]TCGGTAAGTGTCCTGAAACAGCACGTCGTCAGTGAGAAGGAACCCACGCGTCCAGTCTAA-3'
Protein context (NP_065789.1, residues 896-916): TALNRRDTYR[Arg906Gly]RQMQRTITRQ